The following is an entry in ClinVar:

ClinVar aggregate classification (germline): Pathogenic. Review status: criteria provided, multiple submitters, no conflicts (2 of 4 stars). 3 submissions from 3 submitters: Pathogenic (2). 1 of the submissions does not count toward it. Last evaluated 2026-06-23.

Conditions:
ABCC2-related disorder. Also called: ABCC2-related condition.
Dubin-Johnson syndrome (DJS). Also called: Jaundice, Chronic Idiopathic; HYPERBILIRUBINEMIA, DUBIN-JOHNSON TYPE; Hyperbilirubinemia type 2. Identifiers: Orphanet 234, MedGen C0022350, MONDO:0009380, OMIM 237500.

Allele frequency attached by ClinVar (database versions not stated): gnomAD exomes below 0.00001 and 0.00002; gnomAD 0.00001 and 0.00002; TOPMed 0.00001; ExAC 0.00002; 1000 Genomes Project 30x 0.00016; 1000 Genomes Project 0.00020.
gnomAD v4.1: 26 of 1,613,222 alleles (0.0016%); highest among the groups gnomAD compares: East Asian, 0.054%; no homozygotes.

Submissions (3):

PreventionGenetics, part of Exact Sciences
Classification: Pathogenic for ABCC2-related condition. Last evaluated: 2026-06-23. Review status: criteria provided, single submitter. Criteria: ACMG Guidelines, 2015. Collection method: clinical testing. Allele origin: germline.
Comment: The ABCC2 c.2439+2T>C variant is predicted to disrupt the GT donor site and interfere with normal splicing. This variant was previously reported in patients with Dubin-Johnson syndrome (Wada et al. 1998. PubMed ID: 9425227, reported as 2272del168; Kim et al. 2020. PubMed ID: 32758197; Toh et al. 1999. PubMed ID: 10053008; Hahn et al. 2024. PubMed ID: 38323732). This variant is reported in 0.00088% of alleles in individuals of European (Non-Finnish) descent in gnomAD. Variants that disrupt the consensus splice donor site in ABCC2 are expected to be pathogenic. This variant is interpreted as pathogenic.

Labcorp Genetics (formerly Invitae), Labcorp
Classification: Pathogenic. Last evaluated: 2023-11-05. Review status: criteria provided, single submitter. Criteria: Invitae Variant Classification Sherloc (09022015). Collection method: clinical testing. Allele origin: germline.
Comment: This sequence change affects a donor splice site in intron 18 of the ABCC2 gene. It is expected to disrupt RNA splicing. Variants that disrupt the donor or acceptor splice site typically lead to a loss of protein function (PMID: 16199547), and loss-of-function variants in ABCC2 are known to be pathogenic (PMID: 9185779, 16549534, 16952291). This variant is present in population databases (rs200606989, gnomAD 0.0009%). Disruption of this splice site has been observed in individual(s) with Dubin-Johnson syndrome (PMID: 9425227, 10053008, 32758197). In at least one individual the data is consistent with being in trans (on the opposite chromosome) from a pathogenic variant. It has also been observed to segregate with disease in related individuals. This variant is also known as 2272del168. ClinVar contains an entry for this variant (Variation ID: 8415). Algorithms developed to predict the effect of sequence changes on RNA splicing suggest that this variant may disrupt the consensus splice site. For these reasons, this variant has been classified as Pathogenic.

OMIM
Classification: Pathogenic for DUBIN-JOHNSON SYNDROME. Last evaluated: 1999-03-01. Review status: no assertion criteria provided. Collection method: literature only. Allele origin: germline. Not counted in ClinVar's aggregate classification.

Literature cited by the submitters: PubMed 16199547 (cited by Labcorp Genetics (formerly Invitae), Labcorp); PubMed 9185779 (cited by Labcorp Genetics (formerly Invitae), Labcorp); PubMed 16549534 (cited by Labcorp Genetics (formerly Invitae), Labcorp); PubMed 16952291 (cited by Labcorp Genetics (formerly Invitae), Labcorp); PubMed 9425227 (cited by Labcorp Genetics (formerly Invitae), Labcorp); PubMed 10053008 (cited by Labcorp Genetics (formerly Invitae), Labcorp and OMIM); PubMed 32758197 (cited by Labcorp Genetics (formerly Invitae), Labcorp).

NM_000392.5(ABCC2):c.2439+2T>C

Gene: ABCC2 (ATP binding cassette subfamily C member 2; plus strand). Cytogenetic location: 10q24.2.
Variant type: single nucleotide variant.
Coding change: c.2439+2T>C on transcript NM_000392.5 (MANE Select); the canonical splice donor site of the intron after coding-DNA position 2439, T replaced by C.
Molecular consequence: splice donor variant.
Genome position (GRCh38, 1-based): chr10:99,818,959, T>C. VCF-style: chr10-99818959-T-C. GRCh37 (hg19) VCF-style: chr10-101578716-T-C.
Other names: IVS18DS, T-C, +2.
Identifiers: ClinVar variation 8415 (VCV000008415.6), dbSNP rs200606989, ClinGen allele CA5643474.